The following is an entry in ClinVar:

ClinVar aggregate classification (germline): Likely pathogenic (1 of 4 stars; one submission).

Conditions:
Congenital myotonia, autosomal recessive form. Also called: Becker Generalized Myotonia; BECKER DISEASE; myotonia congenita, autosomal recessive. Identifiers: Orphanet 614, MedGen C0751360, MONDO:0009715, OMIM 255700.
Congenital myotonia, autosomal dominant form (THD). Also called: THOMSEN DISEASE; Myotonia congenita autosomal dominant. Identifiers: Orphanet 614, MedGen C2936781, MONDO:0008055, OMIM 160800.

Submission:

Labcorp Genetics (formerly Invitae), Labcorp
Classification: Likely pathogenic for Congenital myotonia, autosomal recessive form; Congenital myotonia, autosomal dominant form. Last evaluated: 2021-01-17. Review status: criteria provided, single submitter. Criteria: Invitae Variant Classification Sherloc (09022015). Collection method: clinical testing. Allele origin: germline.
Comment: In summary, the currently available evidence indicates that the variant is pathogenic, but additional data are needed to prove that conclusively. Therefore, this variant has been classified as Likely Pathogenic. This variant disrupts the p.Gly190 amino acid residue in CLCN1. Other variant(s) that disrupt this residue have been determined to be pathogenic (PMID: 19697366, 22921319, 22521272, 23739125, 21221019, 24349310, 26007199). This suggests that this residue is clinically significant, and that variants that disrupt this residue are likely to be disease-causing. Advanced modeling of protein sequence and biophysical properties (such as structural, functional, and spatial information, amino acid conservation, physicochemical variation, residue mobility, and thermodynamic stability) performed at Invitae indicates that this missense variant is expected to disrupt CLCN1 protein function. This variant has not been reported in the literature in individuals with CLCN1-related conditions. This variant is not present in population databases (ExAC no frequency). This sequence change replaces glycine with valine at codon 190 of the CLCN1 protein (p.Gly190Val). The glycine residue is highly conserved and there is a moderate physicochemical difference between glycine and valine.

Literature cited by the submitters: PubMed 19697366; PubMed 22921319; PubMed 22521272; PubMed 23739125; PubMed 21221019; PubMed 24349310; PubMed 26007199.

NM_000083.3(CLCN1):c.569G>T (p.Gly190Val)

Gene: CLCN1 (chloride voltage-gated channel 1; plus strand). Cytogenetic location: 7q34.
Variant type: single nucleotide variant.
Coding change: c.569G>T on transcript NM_000083.3 (MANE Select); coding-DNA position 569, G replaced by T.
Protein change: p.Gly190Val; replaces glycine 190 with valine.
Molecular consequence: missense variant. On other transcripts: non-coding transcript variant (1).
Genome position (GRCh38, 1-based): chr7:143,321,721, G>T. VCF-style: chr7-143321721-G-T. GRCh37 (hg19) VCF-style: chr7-143018814-G-T.
Other names: short protein forms G190V.
Identifiers: ClinVar variation 1486657 (VCV001486657.8), dbSNP rs746401512, ClinGen allele CA369684245.